The following is an entry in ClinVar:

NM_015650.4(IFT54):c.286G>A (p.Val96Met)

Gene: IFT54 (intraflagellar transport 54; plus strand). Cytogenetic location: 2q37.3.
Variant type: single nucleotide variant.
Coding change: c.286G>A on transcript NM_015650.4 (MANE Select); coding-DNA position 286, G replaced by A.
Protein change: p.Val96Met; replaces valine 96 with methionine.
Molecular consequence: missense variant.
Genome position (GRCh38, 1-based): chr2:238,325,902, G>A. VCF-style: chr2-238325902-G-A. GRCh37 (hg19) VCF-style: chr2-239234543-G-A.
Other names: c.286G>A, p.Val96Met (NM_001139490.1); short protein forms V96M.
Identifiers: ClinVar variation 1006230 (VCV001006230.9), dbSNP rs527454385, ClinGen allele CA2198006.

ClinVar aggregate classification (germline): Uncertain significance. Review status: criteria provided, multiple submitters, no conflicts (2 of 4 stars). 2 submissions from 2 submitters: Uncertain significance (2). Last evaluated 2024-11-18.

Allele frequency attached by ClinVar (database versions not stated): gnomAD 0.00001; gnomAD exomes 0.00001 and 0.00002; ExAC 0.00002; TOPMed 0.00002; 1000 Genomes Project 30x 0.00016; 1000 Genomes Project 0.00020.
gnomAD v4.1: 14 of 1,614,220 alleles (0.00087%); highest among the groups gnomAD compares: East Asian, 0.0022%; no homozygotes.

Submissions (2):

Labcorp Genetics (formerly Invitae), Labcorp
Classification: Uncertain significance. Last evaluated: 2024-11-18. Review status: criteria provided, single submitter. Criteria: Invitae Variant Classification Sherloc (09022015). Collection method: clinical testing. Allele origin: germline.
Comment: This sequence change replaces valine, which is neutral and non-polar, with methionine, which is neutral and non-polar, at codon 96 of the TRAF3IP1 protein (p.Val96Met). This variant is present in population databases (rs527454385, gnomAD 0.003%). This variant has not been reported in the literature in individuals affected with TRAF3IP1-related conditions. ClinVar contains an entry for this variant (Variation ID: 1006230). Invitae Evidence Modeling of protein sequence and biophysical properties (such as structural, functional, and spatial information, amino acid conservation, physicochemical variation, residue mobility, and thermodynamic stability) indicates that this missense variant is expected to disrupt TRAF3IP1 protein function with a positive predictive value of 80%. In summary, the available evidence is currently insufficient to determine the role of this variant in disease. Therefore, it has been classified as a Variant of Uncertain Significance.

Blueprint Genetics
Classification: Uncertain significance. Last evaluated: 2022-06-10. Review status: criteria provided, single submitter. Criteria: ACMG Guidelines, 2015. Collection method: clinical testing. Allele origin: germline.